The following is an entry in ClinVar:

NM_025074.7(FRAS1):c.4951C>T (p.Arg1651Ter)

Gene: FRAS1 (Fraser extracellular matrix complex subunit 1; plus strand). Cytogenetic location: 4q21.21.
Variant type: single nucleotide variant.
Coding change: c.4951C>T on transcript NM_025074.7 (MANE Select); coding-DNA position 4951, C replaced by T.
Protein change: p.Arg1651Ter; replaces arginine 1651 with a stop codon.
Molecular consequence: nonsense.
Genome position (GRCh38, 1-based): chr4:78,430,399, C>T. VCF-style: chr4-78430399-C-T. GRCh37 (hg19) VCF-style: chr4-79351553-C-T.
Other names: c.4951C>T, p.Arg1651Ter (NM_001166133.2); short protein forms R1651*.
Identifiers: ClinVar variation 2973356 (VCV002973356.3), dbSNP rs753960106, ClinGen allele CA2977369.

ClinVar aggregate classification (germline): Pathogenic (1 of 4 stars; one submission).

Allele frequency attached by ClinVar (database versions not stated): ExAC 0.00001; gnomAD 0.00001; gnomAD exomes 0.00001; TOPMed 0.00001.
gnomAD v4.1: 6 of 1,613,110 alleles (0.00037%); highest among the groups gnomAD compares: Admixed American, 0.0067%; no homozygotes.

Submission:

Labcorp Genetics (formerly Invitae), Labcorp
Classification: Pathogenic. Last evaluated: 2024-01-31. Review status: criteria provided, single submitter. Criteria: Invitae Variant Classification Sherloc (09022015). Collection method: clinical testing. Allele origin: germline.
Comment: This sequence change creates a premature translational stop signal (p.Arg1651*) in the FRAS1 gene. It is expected to result in an absent or disrupted protein product. Loss-of-function variants in FRAS1 are known to be pathogenic (PMID: 12766769, 18671281). This variant is present in population databases (rs753960106, gnomAD 0.009%). This variant has not been reported in the literature in individuals affected with FRAS1-related conditions. For these reasons, this variant has been classified as Pathogenic.

Literature cited by the submitters: PubMed 12766769; PubMed 18671281.